The following continues an entry in ClinVar:

NM_007294.4(BRCA1):c.1724A>G (p.Glu575Gly)

Gene: BRCA1. ClinVar aggregate classification (germline): Conflicting classifications of pathogenicity. Uncertain significance (7); Benign (1); Likely benign (4).

Submissions 9 to 12 of 12:

All of Us Research Program, National Institutes of Health
Classification: Uncertain significance for Breast-ovarian cancer, familial, susceptibility to, 1. Last evaluated: 2023-12-18. Review status: criteria provided, single submitter. Criteria: ACMG Guidelines, 2015. Collection method: clinical testing. Allele origin: germline. Inheritance: Autosomal dominant inheritance. Observed: 3 variant alleles, 3 heterozygotes.
Comment: This missense variant replaces glutamic acid with glycine at codon 575 of the BRCA1 protein. Computational prediction suggests that this variant may not impact protein structure and function. To our knowledge, functional studies have not been reported for this variant. This variant has been reported in at least two individuals affected with breast cancer (PMID: 34196900, 34218100) and in one individual age 70 years or older without cancer by FLOSSIES. This variant has been identified in 5/250754 chromosomes in the general population by the Genome Aggregation Database (gnomAD). The available evidence is insufficient to determine the role of this variant in disease conclusively. Therefore, this variant is classified as a Variant of Uncertain Significance.

This study involves interpretation of variants in research participants for the purpose of population health screening. Participant phenotype was not available at the time of variant classification. Additional details can be found in publication PMID: 35346344, PMCID: PMC8962531

Color Diagnostics, LLC DBA Color Health
Classification: Uncertain significance for Hereditary cancer-predisposing syndrome. Last evaluated: 2023-12-08. Review status: criteria provided, single submitter. Criteria: ACMG Guidelines, 2015. Collection method: clinical testing. Allele origin: germline.
Comment: This missense variant replaces glutamic acid with glycine at codon 575 of the BRCA1 protein. Computational prediction suggests that this variant may not impact protein structure and function. To our knowledge, functional studies have not been reported for this variant. This variant has been reported in at least two individuals affected with breast cancer (PMID: 34196900, 34218100) and in one individual age 70 years or older without cancer by FLOSSIES. This variant has been identified in 5/250754 chromosomes in the general population by the Genome Aggregation Database (gnomAD). The available evidence is insufficient to determine the role of this variant in disease conclusively. Therefore, this variant is classified as a Variant of Uncertain Significance.

University of Washington Department of Laboratory Medicine, University of Washington
Classification: Likely benign for Hereditary cancer-predisposing syndrome. Last evaluated: 2023-03-23. Review status: criteria provided, single submitter. Criteria: Dines et al. (Genet Med. 2020). Collection method: curation. Allele origin: germline.
Comment: Missense variant in a coldspot region where missense variants are very unlikely to be pathogenic (PMID:31911673).

BRCA1 coldspot (exon 11 using historical exon numbering). Reclassification based on statistical prior probability

National Health Laboratory Service, Universitas Academic Hospital and University of the Free State
Classification: Likely benign for Hereditary breast ovarian cancer syndrome. Last evaluated: 2022-04-19. Review status: criteria provided, single submitter. Criteria: ACMG Guidelines, 2015. Collection method: clinical testing. Allele origin: germline. Affected: yes. Observed: 62 variant alleles.

Literature cited by the submitters: PubMed 21702907 (cited by Women's Health and Genetics/Laboratory Corporation of America, LabCorp and Quest Diagnostics Nichols Institute San Juan Capistrano); PubMed 25348012 (cited by Women's Health and Genetics/Laboratory Corporation of America, LabCorp and Quest Diagnostics Nichols Institute San Juan Capistrano); PubMed 34196900 (cited by 4 submitters); PubMed 34218100 (cited by 4 submitters); PubMed 34981296 (cited by Women's Health and Genetics/Laboratory Corporation of America, LabCorp and Quest Diagnostics Nichols Institute San Juan Capistrano); PubMed 35957908 (cited by Women's Health and Genetics/Laboratory Corporation of America, LabCorp and Quest Diagnostics Nichols Institute San Juan Capistrano); PubMed 39041507 (cited by Women's Health and Genetics/Laboratory Corporation of America, LabCorp and Ambry Genetics); PubMed 35464868 (cited by Quest Diagnostics Nichols Institute San Juan Capistrano); PubMed 31911673 (cited by Quest Diagnostics Nichols Institute San Juan Capistrano); PubMed 32377563 (cited by Quest Diagnostics Nichols Institute San Juan Capistrano); PubMed 29884841 (cited by Quest Diagnostics Nichols Institute San Juan Capistrano); PubMed 33087888 (cited by Quest Diagnostics Nichols Institute San Juan Capistrano); PubMed 31853058 (cited by Quest Diagnostics Nichols Institute San Juan Capistrano); PubMed 35288574 (cited by Quest Diagnostics Nichols Institute San Juan Capistrano); PubMed 16760289 (cited by Quest Diagnostics Nichols Institute San Juan Capistrano); DOI 10.3389/fgene.2022.834265 (cited by National Health Laboratory Service, Universitas Academic Hospital and University of the Free State).